The following is an entry in ClinVar:

ClinVar aggregate classification (germline): Uncertain significance (1 of 4 stars; one submission).

Conditions:
Hereditary spastic paraplegia 39 (SPG39). Also called: SPASTIC PARAPLEGIA 39, AUTOSOMAL RECESSIVE; Spastic Paraplegia Type 39 (SPG39). Identifiers: Orphanet 139480, MedGen C2677586, MONDO:0012787, OMIM 612020.

Submission:

Labcorp Genetics (formerly Invitae), Labcorp
Classification: Uncertain significance for Hereditary spastic paraplegia 39. Last evaluated: 2022-02-12. Review status: criteria provided, single submitter. Criteria: Invitae Variant Classification Sherloc (09022015). Collection method: clinical testing. Allele origin: germline.
Comment: This sequence change replaces glutamine, which is neutral and polar, with arginine, which is basic and polar, at codon 689 of the PNPLA6 protein (p.Gln689Arg). This variant is not present in population databases (gnomAD no frequency). In summary, the available evidence is currently insufficient to determine the role of this variant in disease. Therefore, it has been classified as a Variant of Uncertain Significance. Algorithms developed to predict the effect of sequence changes on RNA splicing suggest that this variant may disrupt the consensus splice site. Algorithms developed to predict the effect of missense changes on protein structure and function are either unavailable or do not agree on the potential impact of this missense change (SIFT: "Tolerated"; PolyPhen-2: "Possibly Damaging"; Align-GVGD: "Class C0"). This variant has not been reported in the literature in individuals affected with PNPLA6-related conditions.

NM_001166114.2(PNPLA6):c.2183A>G (p.Gln728Arg)

Gene: PNPLA6 (patatin like domain 6, lysophospholipase; plus strand). Cytogenetic location: 19p13.2.
Variant type: single nucleotide variant.
Coding change: c.2183A>G on transcript NM_001166114.2 (MANE Select); coding-DNA position 2183, A replaced by G.
Protein change: p.Gln728Arg; replaces glutamine 728 with arginine.
Molecular consequence: missense variant.
Genome position (GRCh38, 1-based): chr19:7,551,106, A>G. VCF-style: chr19-7551106-A-G. GRCh37 (hg19) VCF-style: chr19-7615992-A-G.
Other names: c.2210A>G, p.Gln737Arg (NM_001166111.2); c.1988A>G, p.Gln663Arg (NM_001166112.2); c.2066A>G, p.Gln689Arg (NM_001166113.1, NM_006702.5); short protein forms Q663R, Q728R, Q737R, Q689R.
Identifiers: ClinVar variation 2097328 (VCV002097328.4), dbSNP rs2512537292, ClinGen allele CA403124856.